The following is an entry in ClinVar:

NM_018075.5(ANO10):c.1288C>T (p.Arg430Cys)

Gene: ANO10 (anoctamin 10; minus strand). Cytogenetic location: 3p22.1.
Variant type: single nucleotide variant.
Coding change: c.1288C>T on transcript NM_018075.5 (MANE Select); coding-DNA position 1288, C replaced by T.
Protein change: p.Arg430Cys; replaces arginine 430 with cysteine.
Molecular consequence: missense variant.
Genome position (GRCh38, 1-based): chr3:43,565,658, G>A on the plus strand (C>T on the coding strand, the complement: ANO10 is on the minus strand). VCF-style: chr3-43565658-G-A. GRCh37 (hg19) VCF-style: chr3-43607150-G-A.
Other names: c.1288C>T, p.Arg430Cys (NM_001204831.3, NM_001346463.2, NM_001346464.2 and 3 more transcripts); c.1090C>T, p.Arg364Cys (NM_001204832.3, NM_001346466.2, NM_001346469.2); c.955C>T, p.Arg319Cys (NM_001204833.3); c.718C>T, p.Arg240Cys (NM_001204834.3); c.1288C>T (NM_018075.4); short protein forms R319C, R240C, R364C, R430C.
Identifiers: ClinVar variation 900102 (VCV000900102.7), dbSNP rs200570277, ClinGen allele CA2340821.

ClinVar aggregate classification (germline): Uncertain significance. Review status: criteria provided, multiple submitters, no conflicts (2 of 4 stars). 3 submissions from 3 submitters: Uncertain significance (2). 1 of the submissions does not count toward it. Last evaluated 2025-03-28.

Conditions:
Autosomal recessive spinocerebellar ataxia 10. Identifiers: Orphanet 284289, MedGen C3150998, MONDO:0013392, OMIM 613728.
ANO10-related disorder. Also called: ANO10-related condition.

Allele frequency attached by ClinVar (database versions not stated): gnomAD 0.00005 and 0.00019; 1000 Genomes Project 0.00140; TOPMed 0.00008; gnomAD exomes 0.00031 and 0.00075; ExAC 0.00148; 1000 Genomes Project 30x 0.00156.
gnomAD v4.1: 477 of 1,575,140 alleles (0.03%); highest among the groups gnomAD compares: South Asian, 0.5%; 6 homozygotes.

Submissions (3):

Genetics and Genomic Medicine Centre, NeuroGen Healthcare, NeuroGen Healthcare
Classification: Uncertain significance for Autosomal recessive spinocerebellar ataxia 10. Last evaluated: 2025-03-28. Review status: criteria provided, single submitter. Criteria: ACMG Guidelines, 2015. Collection method: clinical testing. Allele origin: unknown. Affected: yes.

Illumina Laboratory Services, Illumina
Classification: Uncertain significance for Autosomal recessive spinocerebellar ataxia 10. Last evaluated: 2018-01-15. Review status: criteria provided, single submitter. Criteria: ICSL Variant Classification Criteria 13 December 2019. Collection method: clinical testing. Allele origin: germline.

PreventionGenetics, part of Exact Sciences
Classification: Likely benign for ANO10-related condition. Last evaluated: 2019-12-09. Review status: no assertion criteria provided. Collection method: clinical testing. Allele origin: germline. Not counted in ClinVar's aggregate classification.
Comment: This variant is classified as likely benign based on ACMG/AMP sequence variant interpretation guidelines (Richards et al. 2015 PMID: 25741868, with internal and published modifications).